The following is an entry in ClinVar:

NM_005188.4(CBL):c.*1918C>T

Gene: CBL (Cbl proto-oncogene; plus strand). Cytogenetic location: 11q23.3.
Variant type: single nucleotide variant.
Coding change: c.*1918C>T on transcript NM_005188.4 (MANE Select); 1918 bases downstream of the stop codon, C replaced by T.
Molecular consequence: 3 prime UTR variant.
Genome position (GRCh38, 1-based): chr11:119,301,699, C>T. VCF-style: chr11-119301699-C-T. GRCh37 (hg19) VCF-style: chr11-119172409-C-T.
Identifiers: ClinVar variation 302815 (VCV000302815.30), dbSNP rs528450894, ClinGen allele CA10637404.

ClinVar aggregate classification (germline): Conflicting classifications of pathogenicity. Review status: criteria provided, conflicting classifications (1 of 4 stars). 3 submissions from 3 submitters: Uncertain significance (2); Likely benign (1). Last evaluated 2023-01-01.

Conditions:
CBL-related disorder. Also called: NOONAN SYNDROME-LIKE DISORDER WITHOUT JUVENILE MYELOMONOCYTIC LEUKEMIA; CBL MUTATION-ASSOCIATED SYNDROME; CBL SYNDROME. Identifiers: Orphanet 363972, MedGen C3150803, MONDO:0013308, OMIM 613563.

Allele frequency attached by ClinVar (database versions not stated): 1000 Genomes Project 0.00040; 1000 Genomes Project 30x 0.00078; gnomAD 0.00210; gnomAD exomes 0.00321; TOPMed 0.00335.
gnomAD v4.1: 699 of 233,242 alleles (0.3%); highest among the groups gnomAD compares: Non-Finnish European, 0.43%; 1 homozygote.

Submissions (3):

CeGaT Center for Human Genetics Tuebingen
Classification: Likely benign. Last evaluated: 2023-01-01. Review status: criteria provided, single submitter. Criteria: CeGaT Center For Human Genetics Tuebingen Variant Classification Criteria Version 2. Collection method: clinical testing. Allele origin: germline. Affected: yes. Observed: 5 variant alleles.
Comment: CBL: BS1

Illumina Laboratory Services, Illumina
Classification: Uncertain significance for CBL-related disorder. Last evaluated: 2018-01-13. Review status: criteria provided, single submitter. Criteria: ICSL Variant Classification Criteria 13 December 2019. Collection method: clinical testing. Allele origin: germline.

Breakthrough Genomics
Classification: Uncertain significance. Review status: criteria provided, single submitter. Criteria: ACMG Guidelines, 2015. Collection method: not provided. Allele origin: germline. Inheritance: Autosomal dominant inheritance. Affected: yes.